The following is an entry in ClinVar:

ClinVar aggregate classification (germline): Conflicting classifications of pathogenicity. Review status: criteria provided, conflicting classifications (1 of 4 stars). 3 submissions from 3 submitters: Uncertain significance (2); Likely benign (1). Last evaluated 2026-09-06.

Conditions:
Inborn genetic diseases. Identifiers: MedGen C0950123, MeSH D030342.
CHD4-related disorder. Also called: CHD4-related condition.

Allele frequency attached by ClinVar (database versions not stated): TOPMed below 0.00001; gnomAD exomes 0.00001; ExAC 0.00002.
gnomAD v4.1: 13 of 1,610,926 alleles (0.00081%); highest among the groups gnomAD compares: South Asian, 0.0022%; no homozygotes.

Submissions (3):

PreventionGenetics, part of Exact Sciences
Classification: Uncertain significance for CHD4-related condition. Last evaluated: 2026-09-06. Review status: criteria provided, single submitter. Criteria: ACMG Guidelines, 2015. Collection method: clinical testing. Allele origin: germline.
Comment: The CHD4 c.4646C>T variant is predicted to result in the amino acid substitution p.Thr1549Met. To our knowledge, this variant has not been reported in the literature. This variant is reported in 0.0066% of alleles in individuals of South Asian descent in gnomAD. At this time, the clinical significance of this variant is uncertain due to the absence of conclusive functional and genetic evidence.

Ambry Genetics
Classification: Uncertain significance for Inborn genetic diseases. Last evaluated: 2025-08-29. Review status: criteria provided, single submitter. Criteria: Ambry Variant Classification Scheme 2023. Collection method: clinical testing. Allele origin: germline.

Labcorp Genetics (formerly Invitae), Labcorp
Classification: Likely benign. Last evaluated: 2022-04-22. Review status: criteria provided, single submitter. Criteria: Invitae Variant Classification Sherloc (09022015). Collection method: clinical testing. Allele origin: germline.

NM_001273.5(CHD4):c.4646C>T (p.Thr1549Met)

Genes: CHD4 (chromodomain helicase DNA binding protein 4; minus strand), CHD4-AS1 (CHD4 antisense RNA 1; plus strand). Cytogenetic location: 12p13.31.
Variant type: single nucleotide variant.
Coding change: c.4646C>T on transcript NM_001273.5 (MANE Select); coding-DNA position 4646, C replaced by T.
Protein change: p.Thr1549Met; replaces threonine 1549 with methionine.
Molecular consequence: missense variant.
Genome position (GRCh38, 1-based): chr12:6,581,684, G>A on the plus strand (C>T on the coding strand, the complement: CHD4 is on the minus strand). VCF-style: chr12-6581684-G-A. GRCh37 (hg19) VCF-style: chr12-6690850-G-A.
Other names: c.4646C>T (NM_001273.3, NM_001273.2); c.4625C>T, p.Thr1542Met (NM_001297553.2); c.4607C>T, p.Thr1536Met (NM_001363606.2); short protein forms T1536M, T1542M, T1549M.
Identifiers: ClinVar variation 1936192 (VCV001936192.7), dbSNP rs760383433, ClinGen allele CA6411533.